The following is an entry in ClinVar:

ClinVar aggregate classification (germline): Uncertain significance (1 of 4 stars; one submission).

Conditions:
Supravalvar aortic stenosis (SVAS). Also called: Supravalvar aortic stenosis, Eisenberg type. Identifiers: Orphanet 3193, MedGen C0003499, MONDO:0008504, OMIM 185500, HP:0004381.

Allele frequency attached by ClinVar (database versions not stated): TOPMed below 0.00001.
gnomAD v4.1: 13 of 1,613,576 alleles (0.00081%); highest among the groups gnomAD compares: Non-Finnish European, 0.0011%; no homozygotes.

Submission:

Labcorp Genetics (formerly Invitae), Labcorp
Classification: Uncertain significance for Supravalvar aortic stenosis. Last evaluated: 2025-05-19. Review status: criteria provided, single submitter. Criteria: Invitae Variant Classification Sherloc (09022015). Collection method: clinical testing. Allele origin: germline.
Comment: This sequence change replaces proline, which is neutral and non-polar, with serine, which is neutral and polar, at codon 439 of the ELN protein (p.Pro439Ser). This variant is present in population databases (no rsID available, gnomAD 0.0009%). This variant has not been reported in the literature in individuals affected with ELN-related conditions. ClinVar contains an entry for this variant (Variation ID: 2902539). Experimental studies and prediction algorithms are not available or were not evaluated, and the functional significance of this variant is currently unknown. In summary, the available evidence is currently insufficient to determine the role of this variant in disease. Therefore, it has been classified as a Variant of Uncertain Significance.

NM_000501.4(ELN):c.1315C>T (p.Pro439Ser)

Gene: ELN (elastin; plus strand). Cytogenetic location: 7q11.23.
Variant type: single nucleotide variant.
Coding change: c.1315C>T on transcript NM_000501.4 (MANE Select); coding-DNA position 1315, C replaced by T.
Protein change: p.Pro439Ser; replaces proline 439 with serine.
Molecular consequence: missense variant. On other transcripts: intron variant (2).
Genome position (GRCh38, 1-based): chr7:74,056,435, C>T. VCF-style: chr7-74056435-C-T. GRCh37 (hg19) VCF-style: chr7-73470765-C-T.
Other names: c.1285C>T, p.Pro429Ser (NM_001081752.3, NM_001278917.2); c.1330C>T, p.Pro444Ser (NM_001081753.3, NM_001081754.3); c.1315C>T, p.Pro439Ser (NM_001081755.3, NM_001278912.2, NM_001278915.2 and 1 more transcripts); c.1300C>T, p.Pro434Ser (NM_001278914.2); c.1273C>T, p.Pro425Ser (NM_001278916.2); c.1129+78C>T (NM_001278913.2); c.1105+78C>T (NM_001278918.2); short protein forms P439S, P425S, P429S, P444S, P434S.
Identifiers: ClinVar variation 2902539 (VCV002902539.3), dbSNP rs1055137031, ClinGen allele CA160109601.